The following is an entry in ClinVar:

NM_000218.3(KCNQ1):c.1119A>G (p.Ser373=)

Gene: KCNQ1 (potassium voltage-gated channel subfamily Q member 1; plus strand). Cytogenetic location: 11p15.5.
Variant type: single nucleotide variant.
Coding change: c.1119A>G on transcript NM_000218.3 (MANE Select); coding-DNA position 1119, A replaced by G.
Protein change: p.Ser373=; no amino-acid change (serine 373 retained).
Molecular consequence: synonymous variant. On other transcripts: intron variant (2).
Genome position (GRCh38, 1-based): chr11:2,585,298, A>G. VCF-style: chr11-2585298-A-G. GRCh37 (hg19) VCF-style: chr11-2606528-A-G.
Other names: c.849A>G, p.Ser283= (NM_001406837.1); c.738A>G, p.Ser246= (NM_181798.2); c.1032+1753A>G (NM_001406836.1); c.588+1753A>G (NM_001406838.1).
Identifiers: ClinVar variation 390032 (VCV000390032.3), dbSNP rs1057523622, ClinGen allele CA16606304.

ClinVar aggregate classification (germline): Likely benign (1 of 4 stars; one submission).

Submission:

GeneDx
Classification: Likely benign. Last evaluated: 2016-10-18. Review status: criteria provided, single submitter. Criteria: GeneDx Variant Classification (06012015). Collection method: clinical testing. Allele origin: germline. Affected: yes.
Comment: This variant is considered likely benign or benign based on one or more of the following criteria: it is a conservative change, it occurs at a poorly conserved position in the protein, it is predicted to be benign by multiple in silico algorithms, and/or has population frequency not consistent with disease.